The following is an entry in ClinVar:

NM_003801.4(GPAA1):c.1657C>A (p.Pro553Thr)

Gene: GPAA1 (glycosylphosphatidylinositol anchor attachment 1; plus strand). Cytogenetic location: 8q24.3.
Variant type: single nucleotide variant.
Coding change: c.1657C>A on transcript NM_003801.4 (MANE Select); coding-DNA position 1657, C replaced by A.
Protein change: p.Pro553Thr; replaces proline 553 with threonine.
Molecular consequence: missense variant.
Genome position (GRCh38, 1-based): chr8:144,085,916, C>A. VCF-style: chr8-144085916-C-A. GRCh37 (hg19) VCF-style: chr8-145140819-C-A.
Other names: short protein forms P553T.
Identifiers: ClinVar variation 1488734 (VCV001488734.8), dbSNP rs2129949263, ClinGen allele CA372507837.

ClinVar aggregate classification (germline): Uncertain significance (1 of 4 stars; one submission).

Submission:

Labcorp Genetics (formerly Invitae), Labcorp
Classification: Uncertain significance. Last evaluated: 2022-07-12. Review status: criteria provided, single submitter. Criteria: Invitae Variant Classification Sherloc (09022015). Collection method: clinical testing. Allele origin: germline.
Comment: This variant is not present in population databases (gnomAD no frequency). This sequence change replaces proline, which is neutral and non-polar, with threonine, which is neutral and polar, at codon 553 of the GPAA1 protein (p.Pro553Thr). This variant has not been reported in the literature in individuals affected with GPAA1-related conditions. In summary, the available evidence is currently insufficient to determine the role of this variant in disease. Therefore, it has been classified as a Variant of Uncertain Significance. Algorithms developed to predict the effect of missense changes on protein structure and function are either unavailable or do not agree on the potential impact of this missense change (SIFT: "Deleterious"; PolyPhen-2: "Possibly Damaging"; Align-GVGD: "Class C0"). ClinVar contains an entry for this variant (Variation ID: 1488734).